The following is an entry in ClinVar:

ClinVar aggregate classification (germline): Uncertain significance (1 of 4 stars; one submission).

Conditions:
Charcot-Marie-Tooth disease type 2. Also called: Charcot-Marie-Tooth type 2. Identifiers: Orphanet 64746, MedGen C0270914, MONDO:0018993.

Allele frequency attached by ClinVar (database versions not stated): TOPMed below 0.00001; ExAC 0.00001; gnomAD 0.00001.

Submission:

Labcorp Genetics (formerly Invitae), Labcorp
Classification: Uncertain significance for Charcot-Marie-Tooth disease type 2. Last evaluated: 2022-04-09. Review status: criteria provided, single submitter. Criteria: Invitae Variant Classification Sherloc (09022015). Collection method: clinical testing. Allele origin: germline.
Comment: In summary, the available evidence is currently insufficient to determine the role of this variant in disease. Therefore, it has been classified as a Variant of Uncertain Significance. This sequence change replaces histidine, which is basic and polar, with glutamine, which is neutral and polar, at codon 575 of the AARS protein (p.His575Gln). This variant is present in population databases (rs765337944, gnomAD 0.0009%). This variant has not been reported in the literature in individuals affected with AARS-related conditions. Algorithms developed to predict the effect of missense changes on protein structure and function are either unavailable or do not agree on the potential impact of this missense change (SIFT: "Tolerated"; PolyPhen-2: "Possibly Damaging"; Align-GVGD: "Class C0").

NM_001605.3(AARS1):c.1725C>A (p.His575Gln)

Gene: AARS1 (alanyl-tRNA synthetase 1; minus strand). Cytogenetic location: 16q22.1.
Variant type: single nucleotide variant.
Coding change: c.1725C>A on transcript NM_001605.3 (MANE Select); coding-DNA position 1725, C replaced by A.
Protein change: p.His575Gln; replaces histidine 575 with glutamine.
Molecular consequence: missense variant.
Genome position (GRCh38, 1-based): chr16:70,261,104, G>T on the plus strand (C>A on the coding strand, the complement: AARS1 is on the minus strand). VCF-style: chr16-70261104-G-T. GRCh37 (hg19) VCF-style: chr16-70295007-G-T.
Other names: short protein forms H575Q.
Identifiers: ClinVar variation 2174586 (VCV002174586.4), dbSNP rs765337944, ClinGen allele CA8140706.